The following is an entry in ClinVar:

NM_022915.5(MRPL44):c.34G>A (p.Gly12Arg)

Genes: MRPL44 (mitochondrial ribosomal protein L44; plus strand), LOC129935704 (ATAC-STARR-seq lymphoblastoid active region 17184; plus strand). Cytogenetic location: 2q36.1.
Variant type: single nucleotide variant.
Coding change: c.34G>A on transcript NM_022915.5 (MANE Select); coding-DNA position 34, G replaced by A.
Protein change: p.Gly12Arg; replaces glycine 12 with arginine.
Molecular consequence: missense variant.
Genome position (GRCh38, 1-based): chr2:223,957,506, G>A. VCF-style: chr2-223957506-G-A. GRCh37 (hg19) VCF-style: chr2-224822223-G-A.
Other names: short protein forms G12R.
Identifiers: ClinVar variation 1343008 (VCV001343008.7), dbSNP rs140294613, ClinGen allele CA2138961.

ClinVar aggregate classification (germline): Uncertain significance. Review status: criteria provided, multiple submitters, no conflicts (2 of 4 stars). 3 submissions from 3 submitters: Uncertain significance (3). Last evaluated 2022-03-09.

Conditions:
Inborn genetic diseases. Identifiers: MedGen C0950123, MeSH D030342.

Allele frequency attached by ClinVar (database versions not stated): gnomAD 0.00005; ExAC 0.00006; gnomAD exomes 0.00006 and 0.00016; TOPMed 0.00008; ESP Exome Variant Server 0.00015.
gnomAD v4.1: 244 of 1,614,028 alleles (0.015%); highest among the groups gnomAD compares: Non-Finnish European, 0.019%; no homozygotes.

Submissions (3):

Labcorp Genetics (formerly Invitae), Labcorp
Classification: Uncertain significance. Last evaluated: 2022-03-09. Review status: criteria provided, single submitter. Criteria: Invitae Variant Classification Sherloc (09022015). Collection method: clinical testing. Allele origin: germline.
Comment: In summary, the available evidence is currently insufficient to determine the role of this variant in disease. Therefore, it has been classified as a Variant of Uncertain Significance. Algorithms developed to predict the effect of missense changes on protein structure and function output the following: SIFT: "Tolerated"; PolyPhen-2: "Benign"; Align-GVGD: "Class C0". The arginine amino acid residue is found in multiple mammalian species, which suggests that this missense change does not adversely affect protein function. This variant has not been reported in the literature in individuals affected with MRPL44-related conditions. This variant is present in population databases (rs140294613, gnomAD 0.009%). This sequence change replaces glycine, which is neutral and non-polar, with arginine, which is basic and polar, at codon 12 of the MRPL44 protein (p.Gly12Arg).

GeneDx
Classification: Uncertain significance. Last evaluated: 2022-03-04. Review status: criteria provided, single submitter. Criteria: GeneDx Variant Classification Process June 2021. Collection method: clinical testing. Allele origin: germline. Affected: yes.
Comment: Not observed at significant frequency in large population cohorts (gnomAD); In silico analysis supports that this missense variant does not alter protein structure/function; Has not been previously published as pathogenic or benign to our knowledge; In-silico analysis is inconclusive as to whether the variant alters gene splicing. In the absence of RNA/functional studies, the actual effect of this sequence change is unknown.

Ambry Genetics
Classification: Uncertain significance for Inborn genetic diseases. Last evaluated: 2021-12-07. Review status: criteria provided, single submitter. Criteria: Ambry Variant Classification Scheme 2023. Collection method: clinical testing. Allele origin: germline.